The following is an entry in ClinVar:

ClinVar aggregate classification (germline): Uncertain significance. Review status: criteria provided, multiple submitters, no conflicts (2 of 4 stars). 2 submissions from 2 submitters: Uncertain significance (2). Last evaluated 2025-09-10.

Conditions:
Familial thoracic aortic aneurysm and aortic dissection (TAAD). Also called: Thoracic aortic aneurysms and dissections. Identifiers: Orphanet 91387, MedGen C4707243, MONDO:0019625.
Shprintzen-Goldberg syndrome (SGS). Also called: Marfanoid disorder with craniosynostosis type 1; Marfanoid craniosynostosis syndrome; Shprintzen-Goldberg marfanoid syndrome; SHPRINTZEN-GOLDBERG CRANIOSYNOSTOSIS SYNDROME; CRANIOSYNOSTOSIS WITH ARACHNODACTYLY AND ABDOMINAL HERNIAS. Identifiers: Orphanet 2462, MedGen C1321551, MONDO:0008426, OMIM 182212.

gnomAD v4.1: 1 of 1,424,702 alleles (0.00007%); highest among the groups gnomAD compares: South Asian, 0.0014%; no homozygotes.

Submissions (2):

Ambry Genetics
Classification: Uncertain significance for Familial thoracic aortic aneurysm and aortic dissection. Last evaluated: 2025-09-10. Review status: criteria provided, single submitter. Criteria: Ambry Variant Classification Scheme 2023. Collection method: clinical testing. Allele origin: germline.

Labcorp Genetics (formerly Invitae), Labcorp
Classification: Uncertain significance for Shprintzen-Goldberg syndrome. Last evaluated: 2023-10-04. Review status: criteria provided, single submitter. Criteria: Invitae Variant Classification Sherloc (09022015). Collection method: clinical testing. Allele origin: germline.
Comment: This sequence change replaces alanine, which is neutral and non-polar, with threonine, which is neutral and polar, at codon 66 of the SKI protein (p.Ala66Thr). This variant is not present in population databases (gnomAD no frequency). This variant has not been reported in the literature in individuals affected with SKI-related conditions. Advanced modeling of protein sequence and biophysical properties (such as structural, functional, and spatial information, amino acid conservation, physicochemical variation, residue mobility, and thermodynamic stability) performed at Invitae indicates that this missense variant is not expected to disrupt SKI protein function. In summary, the available evidence is currently insufficient to determine the role of this variant in disease. Therefore, it has been classified as a Variant of Uncertain Significance.

NM_003036.4(SKI):c.196G>A (p.Ala66Thr)

Gene: SKI (SKI proto-oncogene; plus strand). Cytogenetic location: 1p36.33.
Variant type: single nucleotide variant.
Coding change: c.196G>A on transcript NM_003036.4 (MANE Select); coding-DNA position 196, G replaced by A.
Protein change: p.Ala66Thr; replaces alanine 66 with threonine.
Molecular consequence: missense variant.
Genome position (GRCh38, 1-based): chr1:2,228,962, G>A. VCF-style: chr1-2228962-G-A. GRCh37 (hg19) VCF-style: chr1-2160401-G-A.
Other names: c.196G>A (NM_003036.3); short protein forms A66T.
Identifiers: ClinVar variation 2786225 (VCV002786225.4), dbSNP rs1212316098, ClinGen allele CA337952289.